The following is an entry in ClinVar:

NM_002900.3(RBP3):c.1384C>T (p.Arg462Cys)

Gene: RBP3 (retinol binding protein 3; plus strand). Cytogenetic location: 10q11.22.
Variant type: single nucleotide variant.
Coding change: c.1384C>T on transcript NM_002900.3 (MANE Select); coding-DNA position 1384, C replaced by T.
Protein change: p.Arg462Cys; replaces arginine 462 with cysteine.
Molecular consequence: missense variant.
Genome position (GRCh38, 1-based): chr10:47,349,868, C>T. VCF-style: chr10-47349868-C-T. GRCh37 (hg19) VCF-style: chr10-48389494-G-A.
Other names: short protein forms R462C.
Identifiers: ClinVar variation 299983 (VCV000299983.10), dbSNP rs551138498, ClinGen allele CA5487536.

ClinVar aggregate classification (germline): Uncertain significance. Review status: criteria provided, multiple submitters, no conflicts (2 of 4 stars). 3 submissions from 3 submitters: Uncertain significance (3). Last evaluated 2024-11-17.

Conditions:
Retinitis pigmentosa (RP). Identifiers: Orphanet 791, MedGen C0035334, MeSH D012174, MONDO:0019200, OMIM 268000. Inheritance: Autosomal dominant, autosomal recessive and X linked inheritance.

Allele frequency attached by ClinVar (database versions not stated): gnomAD 0.00008 and 0.00009; ExAC 0.00011; gnomAD exomes 0.00012; TOPMed 0.00012; 1000 Genomes Project 30x 0.00016; 1000 Genomes Project 0.00020.

Submissions (3):

Blueprint Genetics
Classification: Uncertain significance. Last evaluated: 2024-11-17. Review status: criteria provided, single submitter. Criteria: ACMG Guidelines, 2015. Collection method: clinical testing. Allele origin: germline.

Labcorp Genetics (formerly Invitae), Labcorp
Classification: Uncertain significance. Last evaluated: 2024-10-25. Review status: criteria provided, single submitter. Criteria: Invitae Variant Classification Sherloc (09022015). Collection method: clinical testing. Allele origin: germline.
Comment: This sequence change replaces arginine, which is basic and polar, with cysteine, which is neutral and slightly polar, at codon 462 of the RBP3 protein (p.Arg462Cys). This variant is present in population databases (rs551138498, gnomAD 0.02%). This variant has not been reported in the literature in individuals affected with RBP3-related conditions. ClinVar contains an entry for this variant (Variation ID: 299983). Invitae Evidence Modeling of protein sequence and biophysical properties (such as structural, functional, and spatial information, amino acid conservation, physicochemical variation, residue mobility, and thermodynamic stability) indicates that this missense variant is not expected to disrupt RBP3 protein function with a negative predictive value of 80%. In summary, the available evidence is currently insufficient to determine the role of this variant in disease. Therefore, it has been classified as a Variant of Uncertain Significance.

Illumina Laboratory Services, Illumina
Classification: Uncertain significance for Retinitis pigmentosa. Last evaluated: 2018-01-13. Review status: criteria provided, single submitter. Criteria: ICSL Variant Classification Criteria 13 December 2019. Collection method: clinical testing. Allele origin: germline.